The following is an entry in ClinVar:

NM_001999.4(FBN2):c.1465+3_1465+6del

Gene: FBN2 (fibrillin 2; minus strand). Cytogenetic location: 5q23.3.
Variant type: Microsatellite.
Coding change: c.1465+3_1465+6del on transcript NM_001999.4 (MANE Select); bases 3 to 6 of the intron after coding-DNA position 1465, 4 bases deleted (AAGT; older notation c.1465+3_1465+6delAAGT).
Molecular consequence: splice donor variant.
Genome position (GRCh38, 1-based): chr5:128,393,129-128,393,132, ACTT deleted on the plus strand (AAGT on the coding strand, the reverse complement: FBN2 is on the minus strand); deleting any 4 consecutive bases within chr5:128,393,129-128,393,137 gives the same sequence; the c. name uses the placement nearest the transcript's 3' end. VCF-style (leftmost placement, unchanged base first): chr5-128393128-CACTT-C. GRCh37 (hg19) VCF-style: chr5-127728821-CACTT-C.
Identifiers: ClinVar variation 3679031 (VCV003679031.2).

ClinVar aggregate classification (germline): Uncertain significance (1 of 4 stars; one submission).

Conditions:
Congenital contractural arachnodactyly (CCA). Also called: BEALS SYNDROME; Beals-Hecht syndrome; Arthrogryposis, distal, type 9. Identifiers: Orphanet 115, MedGen C0220668, MONDO:0007363, OMIM 121050.

Submission:

Labcorp Genetics (formerly Invitae), Labcorp
Classification: Uncertain significance for Congenital contractural arachnodactyly. Last evaluated: 2024-12-19. Review status: criteria provided, single submitter. Criteria: Invitae Variant Classification Sherloc (09022015). Collection method: clinical testing. Allele origin: germline.
Comment: This sequence change falls in intron 10 of the FBN2 gene. It does not directly change the encoded amino acid sequence of the FBN2 protein. It affects a nucleotide within the consensus splice site. This variant is not present in population databases (gnomAD no frequency). This variant has not been reported in the literature in individuals affected with FBN2-related conditions. Variants that disrupt the consensus splice site are a relatively common cause of aberrant splicing (PMID: 17576681, 9536098). Algorithms developed to predict the effect of sequence changes on RNA splicing suggest that this variant may disrupt the consensus splice site. In summary, the available evidence is currently insufficient to determine the role of this variant in disease. Therefore, it has been classified as a Variant of Uncertain Significance.

Literature cited by the submitters: PubMed 17576681; PubMed 9536098.